The following is an entry in ClinVar:

NM_002206.3(ITGA7):c.206+180C>G

Gene: ITGA7 (integrin subunit alpha 7; minus strand). Cytogenetic location: 12q13.2.
Variant type: single nucleotide variant.
Coding change: c.206+180C>G on transcript NM_002206.3 (MANE Select); 180 bases into the intron after coding-DNA position 206, C replaced by G.
Molecular consequence: intron variant.
Genome position (GRCh38, 1-based): chr12:55,707,297, G>C on the plus strand (C>G on the coding strand, the complement: ITGA7 is on the minus strand). VCF-style: chr12-55707297-G-C. GRCh37 (hg19) VCF-style: chr12-56101081-G-C.
Other names: c.85+4766C>G (NM_001144997.2); c.-133-4119C>G (NM_001367993.1, NM_001414035.1); c.206+180C>G (NM_001414033.1, NM_001414032.1, NM_001414031.1 and 6 more transcripts); c.-967+180C>G (NM_001367994.1).
Identifiers: ClinVar variation 682003 (VCV000682003.1), dbSNP rs3844368, ClinGen allele CA13590061.

ClinVar aggregate classification (germline): Benign (1 of 4 stars; one submission).

Allele frequency attached by ClinVar (database versions not stated): gnomAD 0.47735 and 0.49300; TOPMed 0.47771; 1000 Genomes Project 30x 0.58432; 1000 Genomes Project 0.59645.
gnomAD v4.1: 74,973 of 151,970 alleles (49%); highest among the groups gnomAD compares: East Asian, 94%; 20,095 homozygotes.

Submission:

GeneDx
Classification: Benign. Last evaluated: 2018-06-14. Review status: criteria provided, single submitter. Criteria: GeneDx Variant Classification (06012015). Collection method: clinical testing. Allele origin: germline. Affected: yes.
Comment: This variant is considered likely benign or benign based on one or more of the following criteria: it is a conservative change, it occurs at a poorly conserved position in the protein, it is predicted to be benign by multiple in silico algorithms, and/or has population frequency not consistent with disease.